The following is an entry in ClinVar:

NM_006785.4(MALT1):c.512A>G (p.Asn171Ser)

Gene: MALT1 (MALT1 paracaspase; plus strand). Cytogenetic location: 18q21.32.
Variant type: single nucleotide variant.
Coding change: c.512A>G on transcript NM_006785.4 (MANE Select); coding-DNA position 512, A replaced by G.
Protein change: p.Asn171Ser; replaces asparagine 171 with serine.
Molecular consequence: missense variant.
Genome position (GRCh38, 1-based): chr18:58,700,454, A>G. VCF-style: chr18-58700454-A-G. GRCh37 (hg19) VCF-style: chr18-56367686-A-G.
Other names: c.512A>G, p.Asn171Ser (NM_173844.3); short protein forms N171S.
Identifiers: ClinVar variation 1392708 (VCV001392708.6), dbSNP rs2144361773, ClinGen allele CA402572727.
Genomic context (GRCh38, chr18:58,700,454, plus strand): 5'-GTGTGTTTTTGATGAGTCATCCACTTCTCTTATTGATTCTTTCACAGATTCCAAATGGAA[A>G]TACATCAGAGCTTATTTTTAATGCAGTGCATGTAAAAGATGCAGGCTTTTATGTCTGTCG-3'
Protein context (NP_006776.1, residues 161-181): FKMNKEIPNG[Asn171Ser]TSELIFNAVH

ClinVar aggregate classification (germline): Uncertain significance (1 of 4 stars; one submission).

Conditions:
Combined immunodeficiency due to MALT1 deficiency. Also called: Immunodeficiency 12. Identifiers: Orphanet 397964, MedGen C3809583, MONDO:0014197, OMIM 615468.

Allele frequency attached by ClinVar (database versions not stated): gnomAD exomes below 0.00001.
gnomAD v4.1: 2 of 1,596,214 alleles (0.00013%); highest among the groups gnomAD compares: South Asian, 0.0023%; no homozygotes.

Submission:

Labcorp Genetics (formerly Invitae), Labcorp
Classification: Uncertain significance for Combined immunodeficiency due to MALT1 deficiency. Last evaluated: 2023-11-28. Review status: criteria provided, single submitter. Criteria: Invitae Variant Classification Sherloc (09022015). Collection method: clinical testing. Allele origin: germline.
Comment: This sequence change replaces asparagine, which is neutral and polar, with serine, which is neutral and polar, at codon 171 of the MALT1 protein (p.Asn171Ser). This variant is not present in population databases (gnomAD no frequency). This variant has not been reported in the literature in individuals affected with MALT1-related conditions. ClinVar contains an entry for this variant (Variation ID: 1392708). Advanced modeling of protein sequence and biophysical properties (such as structural, functional, and spatial information, amino acid conservation, physicochemical variation, residue mobility, and thermodynamic stability) performed at Invitae indicates that this missense variant is not expected to disrupt MALT1 protein function with a negative predictive value of 80%. In summary, the available evidence is currently insufficient to determine the role of this variant in disease. Therefore, it has been classified as a Variant of Uncertain Significance.